The following is an entry in ClinVar:

ClinVar aggregate classification (germline): Uncertain significance (1 of 4 stars; one submission).

Submission:

GeneDx
Classification: Uncertain significance. Last evaluated: 2020-02-17. Review status: criteria provided, single submitter. Criteria: GeneDx Variant Classification Process June 2021. Collection method: clinical testing. Allele origin: germline. Affected: yes.
Comment: Not observed in large population cohorts (Lek et al., 2016); In silico analysis supports that this missense variant has a deleterious effect on protein structure/function; Has not been previously published as pathogenic or benign to our knowledge

NM_080632.3(UPF3B):c.727A>G (p.Lys243Glu)

Gene: UPF3B (UPF3B regulator of nonsense mediated mRNA decay; minus strand). Cytogenetic location: Xq24.
Variant type: single nucleotide variant.
Coding change: c.727A>G on transcript NM_080632.3 (MANE Select); coding-DNA position 727, A replaced by G.
Protein change: p.Lys243Glu; replaces lysine 243 with glutamic acid.
Molecular consequence: missense variant.
Genome position (GRCh38, 1-based): chrX:119,841,156, T>C on the plus strand (A>G on the coding strand, the complement: UPF3B is on the minus strand). VCF-style: chrX-119841156-T-C. GRCh37 (hg19) VCF-style: chrX-118975119-T-C.
Other names: c.727A>G, p.Lys243Glu (NM_023010.4); short protein forms K243E.
Identifiers: ClinVar variation 1311996 (VCV001311996.2), dbSNP rs2147787153, ClinGen allele CA414184297.
Genomic context (GRCh38, chrX:119,841,156, plus strand): 5'-TTAATTTGTCCCTTTCTGGAATTCTGTCTATCTTCTTTAGCTTTTCTATATCTTTCCTTT[T>C]TCGTTTCTCTTCTTCTTTCCATTTCCTCCTCTCTTCTTCTCTTTGTCTTTTTCTTTCTAT-3'
Protein context (NP_542199.1, residues 233-253): RRKWKEEEKR[Lys243Glu]RKDIEKLKKI